The following is an entry in ClinVar:

ClinVar aggregate classification (germline): Uncertain significance (0 of 4 stars; one submission).

Conditions:
Progressive myoclonic epilepsy type 3. Also called: EPILEPSY, PROGRESSIVE MYOCLONIC, 3, WITHOUT INTRACELLULAR INCLUSIONS; EPILEPSY, PROGRESSIVE MYOCLONIC, 3, WITH OR WITHOUT INTRACELLULAR INCLUSIONS; CEROID LIPOFUSCINOSIS, NEURONAL, 14; KCTD7-Related Progressive Myoclonic Epilepsy. Identifiers: Orphanet 263516, MedGen C2673257, MONDO:0012721, OMIM 611726.

Submission:

Foundation for Research in Genetics and Endocrinology, FRIGE's Institute of Human Genetics
Classification: Uncertain significance for Progressive myoclonic epilepsy type 3. Last evaluated: 2018-06-26. Review status: no assertion criteria provided. Collection method: clinical testing. Allele origin: germline. Inheritance: Autosomal recessive inheritance. Affected: no and yes. Observed: 3 variant alleles, 2 heterozygotes, 1 homozygote. Clinical features observed: Seizure (HP:0001250), Generalized myoclonic seizure (HP:0002123), Neurodevelopmental abnormality (HP:0012759).
Comment: The observed variant c.302G>A (p.Gly101Asp) is not observed in 1000 Genomes and ExAC databases. The in silico prediction of the given variant is disease causing by MutationTaster2, probably damaging by SIFT and PolyPhen2.

NM_153033.5(KCTD7):c.302G>A (p.Gly101Asp)

Gene: KCTD7 (potassium channel tetramerization domain containing 7; plus strand). Cytogenetic location: 7q11.21.
Variant type: single nucleotide variant.
Coding change: c.302G>A on transcript NM_153033.5 (MANE Select); coding-DNA position 302, G replaced by A.
Protein change: p.Gly101Asp; replaces glycine 101 with aspartic acid.
Molecular consequence: missense variant.
Genome position (GRCh38, 1-based): chr7:66,633,432, G>A. VCF-style: chr7-66633432-G-A. GRCh37 (hg19) VCF-style: chr7-66098419-G-A.
Other names: c.302G>A, p.Gly101Asp (NM_001167961.2); short protein forms G101D.
Identifiers: ClinVar variation 548928 (VCV000548928.2), dbSNP rs1554397831, ClinGen allele CA367695759.
Genomic context (GRCh38, chr7:66,633,432, plus strand): 5'-TCAGTGGGCGGCACTACATCCCCACGGACTCCGAGGGCCGGTACTTCATCGACCGAGATG[G>A]CACACACTTTGGGTATGTCTCTCCCTCTACAATCAACTTTGTAGTCCTAGCAGGTGATTA-3'
Protein context (NP_694578.1, residues 91-111): SEGRYFIDRD[Gly101Asp]THFGDVLNFL